The following is an entry in ClinVar:

NM_000243.3(MEFV):c.1759+7C>T

Genes: MEFV (MEFV innate immunity regulator, pyrin; minus strand), LOC126862264 (CDK7 strongly-dependent group 2 enhancer GRCh37_chr16:3293322-3294521; plus strand). Cytogenetic location: 16p13.3.
Variant type: single nucleotide variant.
Coding change: c.1759+7C>T on transcript NM_000243.3 (MANE Select); 7 bases into the intron after coding-DNA position 1759, C replaced by T.
Molecular consequence: intron variant.
Genome position (GRCh38, 1-based): chr16:3,244,247, G>A on the plus strand (C>T on the coding strand, the complement: MEFV is on the minus strand). VCF-style: chr16-3244247-G-A. GRCh37 (hg19) VCF-style: chr16-3294247-G-A.
Other names: c.1126+7C>T (NM_001198536.2).
Identifiers: ClinVar variation 632891 (VCV000632891.15), dbSNP rs772667365, ClinGen allele CA7860005.
Genomic context (GRCh38, chr16:3,244,247, plus strand): 5'-AAGTCAACAGCACAAGGGAACACTGCAACAACCCCAGGCCAGCACACACCATTACCGCTG[G>A]ACTCACCATTGAACATTTCCATTTCTGAACGCAGGGTTTCTAAAATGTGGGAAAGGGAGC-3'

ClinVar aggregate classification (germline): Conflicting classifications of pathogenicity. Review status: criteria provided, conflicting classifications (1 of 4 stars). 4 submissions from 4 submitters: Uncertain significance (1); Likely benign (2). 1 of the submissions does not count toward it. Last evaluated 2025-04-25.

Conditions:
Autoinflammatory syndrome. Identifiers: Orphanet 93665, MedGen C3890737, MONDO:0019751.
Familial Mediterranean fever (FMF). Also called: POLYSEROSITIS, FAMILIAL PAROXYSMAL; POLYSEROSITIS, RECURRENT; Periodic peritonitis; Benign paroxysmal peritonitis. Identifiers: Orphanet 342, MedGen C0031069, MONDO:0018088, OMIM 249100. Disease mechanism: gain of function.

Allele frequency attached by ClinVar (database versions not stated): gnomAD exomes 0.00006; ExAC 0.00009.
gnomAD v4.1: 58 of 1,613,918 alleles (0.0036%); highest among the groups gnomAD compares: South Asian, 0.061%; 1 homozygote.

Submissions (4):

Women's Health and Genetics/Laboratory Corporation of America, LabCorp
Classification: Likely benign. Last evaluated: 2025-04-25. Review status: criteria provided, single submitter. Criteria: LabCorp Variant Classification Summary - May 2015. Collection method: clinical testing. Allele origin: germline.
Comment: Variant summary: MEFV c.1759+7C>T alters a non-conserved nucleotide located at a position not widely known to affect splicing. Consensus agreement among computation tools predict no significant impact on normal splicing. However, these predictions have yet to be confirmed by functional studies. The variant allele was found at a frequency of 6e-05 in 251370 control chromosomes (gnomAD). This frequency is not significantly higher than estimated for a pathogenic variant in MEFV causing Familial Mediterranean Fever (6e-05 vs 0.022), allowing no conclusion about variant significance. To our knowledge, no occurrence of c.1759+7C>T in individuals affected with Familial Mediterranean Fever and no experimental evidence demonstrating its impact on protein function have been reported. ClinVar contains an entry for this variant (Variation ID: 632891). Based on the evidence outlined above, the variant was classified as likely benign.

Labcorp Genetics (formerly Invitae), Labcorp
Classification: Likely benign for Familial Mediterranean fever. Last evaluated: 2025-03-16. Review status: criteria provided, single submitter. Criteria: Invitae Variant Classification Sherloc (09022015). Collection method: clinical testing. Allele origin: germline.

Genome Diagnostics Laboratory, The Hospital for Sick Children
Classification: Uncertain significance for Autoinflammatory syndrome. Last evaluated: 2017-01-03. Review status: criteria provided, single submitter. Criteria: ACMG Guidelines, 2015. Collection method: clinical testing. Allele origin: germline. Affected: yes.

Natera, Inc.
Classification: Uncertain significance for Familial Mediterranean fever. Last evaluated: 2019-10-28. Review status: no assertion criteria provided. Collection method: clinical testing. Allele origin: germline. Not counted in ClinVar's aggregate classification.